The following is an entry in ClinVar:

ClinVar aggregate classification (germline): Uncertain significance (1 of 4 stars; one submission).

Conditions:
Autoimmune lymphoproliferative syndrome type 1. Also called: AUTOIMMUNE LYMPHOPROLIFERATIVE SYNDROME, TYPE I, AUTOSOMAL DOMINANT. Identifiers: Orphanet 3261, MedGen C2717884, MONDO:0011158, OMIM 601859.

Submission:

Labcorp Genetics (formerly Invitae), Labcorp
Classification: Uncertain significance for Autoimmune lymphoproliferative syndrome. Last evaluated: 2026-01-06. Review status: criteria provided, single submitter. Criteria: Invitae Variant Classification Sherloc (09022015). Collection method: clinical testing. Allele origin: germline.
Comment: This sequence change replaces threonine, which is neutral and polar, with isoleucine, which is neutral and non-polar, at codon 125 of the FAS protein (p.Thr125Ile). This variant is not present in population databases (gnomAD no frequency). This variant has not been reported in the literature in individuals affected with FAS-related conditions. Invitae Evidence Modeling of protein sequence and biophysical properties (such as structural, functional, and spatial information, amino acid conservation, physicochemical variation, residue mobility, and thermodynamic stability) has been performed for this missense variant. However, the output from this modeling did not meet the statistical confidence thresholds required to predict the impact of this variant on FAS protein function. In summary, the available evidence is currently insufficient to determine the role of this variant in disease. Therefore, it has been classified as a Variant of Uncertain Significance.

NM_000043.6(FAS):c.374C>T (p.Thr125Ile)

Gene: FAS (Fas cell surface death receptor; plus strand). Cytogenetic location: 10q23.31.
Variant type: single nucleotide variant.
Coding change: c.374C>T on transcript NM_000043.6 (MANE Select); coding-DNA position 374, C replaced by T.
Protein change: p.Thr125Ile; replaces threonine 125 with isoleucine.
Molecular consequence: missense variant. On other transcripts: non-coding transcript variant (1).
Genome position (GRCh38, 1-based): chr10:89,008,928, C>T. VCF-style: chr10-89008928-C-T. GRCh37 (hg19) VCF-style: chr10-90768685-C-T.
Other names: c.374C>T, p.Thr125Ile (NM_001320619.2, NM_152871.4, NM_152872.4); c.419C>T, p.Thr140Ile (NM_001410956.1); short protein forms T125I, T140I.
Identifiers: ClinVar variation 4745950 (VCV004745950.1).